The following is an entry in ClinVar:

NM_001369.3(DNAH5):c.8647+5A>C

Gene: DNAH5 (dynein axonemal heavy chain 5; minus strand). Cytogenetic location: 5p15.2.
Variant type: single nucleotide variant.
Coding change: c.8647+5A>C on transcript NM_001369.3 (MANE Select); 5 bases into the intron after coding-DNA position 8647, A replaced by C.
Molecular consequence: intron variant.
Genome position (GRCh38, 1-based): chr5:13,788,711, T>G on the plus strand (A>C on the coding strand, the complement: DNAH5 is on the minus strand). VCF-style: chr5-13788711-T-G. GRCh37 (hg19) VCF-style: chr5-13788820-T-G.
Identifiers: ClinVar variation 1465301 (VCV001465301.3), dbSNP rs748450478, ClinGen allele CA3202781.

ClinVar aggregate classification (germline): Uncertain significance (1 of 4 stars; one submission).

Conditions:
Primary ciliary dyskinesia. Also called: Ciliary dyskinesia. Identifiers: Orphanet 244, MedGen C0008780, MONDO:0016575, HP:0012265.

Allele frequency attached by ClinVar (database versions not stated): gnomAD exomes 0.00001; ExAC 0.00002; gnomAD 0.00003; TOPMed 0.00004.
gnomAD v4.1: 41 of 1,612,818 alleles (0.0025%); highest among the groups gnomAD compares: Admixed American, 0.0033%; no homozygotes.

Submission:

Labcorp Genetics (formerly Invitae), Labcorp
Classification: Uncertain significance for Primary ciliary dyskinesia. Last evaluated: 2021-10-25. Review status: criteria provided, single submitter. Criteria: Invitae Variant Classification Sherloc (09022015). Collection method: clinical testing. Allele origin: germline.
Comment: This sequence change falls in intron 51 of the DNAH5 gene. It does not directly change the encoded amino acid sequence of the DNAH5 protein, but it affects a nucleotide within the consensus splice site of the intron. This variant is present in population databases (rs748450478, ExAC 0.004%). This variant has not been reported in the literature in individuals with DNAH5-related conditions. Nucleotide substitutions within the consensus splice site are a relatively common cause of aberrant splicing (PMID: 17576681, 9536098). Algorithms developed to predict the effect of sequence changes on RNA splicing suggest that this variant is not likely to affect RNA splicing, but this prediction has not been confirmed by published transcriptional studies. In summary, the available evidence is currently insufficient to determine the role of this variant in disease. Therefore, it has been classified as a Variant of Uncertain Significance.

Literature cited by the submitters: PubMed 17576681; PubMed 9536098.